The following is an entry in ClinVar:

ClinVar aggregate classification (germline): Conflicting classifications of pathogenicity. Review status: criteria provided, conflicting classifications (1 of 4 stars). 5 submissions from 5 submitters: Uncertain significance (1); Likely benign (3). 1 of the submissions does not count toward it. Last evaluated 2026-01-23.

Conditions:
NPC2-related disorder. Also called: NPC2-related condition.
Inborn genetic diseases. Identifiers: MedGen C0950123, MeSH D030342.
Niemann-Pick disease, type C2 (NPC2). Identifiers: Orphanet 646, MedGen C1843366, MONDO:0011873, OMIM 607625.

Allele frequency attached by ClinVar (database versions not stated): ExAC 0.00007; ESP Exome Variant Server 0.00008; gnomAD exomes 0.00011; gnomAD 0.00018 and 0.00027; TOPMed 0.00029.
gnomAD v4.1: 199 of 1,613,734 alleles (0.012%); highest among the groups gnomAD compares: African/African-American, 0.025%; no homozygotes.

Submissions (5):

Labcorp Genetics (formerly Invitae), Labcorp
Classification: Likely benign for Niemann-Pick disease, type C2. Last evaluated: 2026-01-23. Review status: criteria provided, single submitter. Criteria: Invitae Variant Classification Sherloc (09022015). Collection method: clinical testing. Allele origin: germline.

CeGaT Center for Human Genetics Tuebingen
Classification: Likely benign. Last evaluated: 2022-11-01. Review status: criteria provided, single submitter. Criteria: CeGaT Center For Human Genetics Tuebingen Variant Classification Criteria Version 2. Collection method: clinical testing. Allele origin: germline. Affected: yes. Observed: 1 variant allele.
Comment: NPC2: PM2:Supporting, BP4, BP7

Ambry Genetics
Classification: Likely benign for Inborn genetic diseases. Last evaluated: 2021-01-28. Review status: criteria provided, single submitter. Criteria: Ambry Variant Classification Scheme 2023. Collection method: clinical testing. Allele origin: germline.

Eurofins Ntd Llc (ga)
Classification: Uncertain significance. Last evaluated: 2015-08-24. Review status: criteria provided, single submitter. Criteria: EGL Classification Definitions 2015. Collection method: clinical testing. Allele origin: germline. Observed: 2 variant alleles, 2 heterozygotes.

PreventionGenetics, part of Exact Sciences
Classification: Likely benign for NPC2-related condition. Last evaluated: 2022-05-04. Review status: no assertion criteria provided. Collection method: clinical testing. Allele origin: germline. Not counted in ClinVar's aggregate classification.
Comment: This variant is classified as likely benign based on ACMG/AMP sequence variant interpretation guidelines (Richards et al. 2015 PMID: 25741868, with internal and published modifications).

NM_006432.5(NPC2):c.450T>C (p.His150=)

Gene: NPC2 (NPC intracellular cholesterol transporter 2; minus strand). Cytogenetic location: 14q24.3.
Variant type: single nucleotide variant.
Coding change: c.450T>C on transcript NM_006432.5 (MANE Select); coding-DNA position 450, T replaced by C.
Protein change: p.His150=; no amino-acid change (histidine 150 retained).
Molecular consequence: synonymous variant. On other transcripts: 3 prime UTR variant (1).
Genome position (GRCh38, 1-based): chr14:74,480,280, A>G on the plus strand (T>C on the coding strand, the complement: NPC2 is on the minus strand). VCF-style: chr14-74480280-A-G. GRCh37 (hg19) VCF-style: chr14-74946983-A-G.
Other names: c.*338T>C (NM_001363688.1); c.372T>C, p.His124= (NM_001375440.1).
Identifiers: ClinVar variation 282548 (VCV000282548.47), dbSNP rs374489111, ClinGen allele CA7268085.